The following is an entry in ClinVar:

NM_001844.5(COL2A1):c.3448G>T (p.Asp1150Tyr)

Gene: COL2A1 (collagen type II alpha 1 chain; minus strand). Cytogenetic location: 12q13.11.
Variant type: single nucleotide variant.
Coding change: c.3448G>T on transcript NM_001844.5 (MANE Select); coding-DNA position 3448, G replaced by T.
Protein change: p.Asp1150Tyr; replaces aspartic acid 1150 with tyrosine.
Molecular consequence: missense variant.
Genome position (GRCh38, 1-based): chr12:47,976,555, C>A on the plus strand (G>T on the coding strand, the complement: COL2A1 is on the minus strand). VCF-style: chr12-47976555-C-A. GRCh37 (hg19) VCF-style: chr12-48370338-C-A.
Other names: c.3241G>T, p.Asp1081Tyr (NM_033150.3); short protein forms D1150Y, D1081Y.
Identifiers: ClinVar variation 2813902 (VCV002813902.3), dbSNP rs757538350, ClinGen allele CA6534746.

ClinVar aggregate classification (germline): Uncertain significance (1 of 4 stars; one submission).

Allele frequency attached by ClinVar (database versions not stated): ExAC 0.00001; gnomAD exomes 0.00001.
gnomAD v4.1: 3 of 1,614,232 alleles (0.00019%); highest among the groups gnomAD compares: South Asian, 0.0033%; no homozygotes.

Submission:

Labcorp Genetics (formerly Invitae), Labcorp
Classification: Uncertain significance. Last evaluated: 2023-02-22. Review status: criteria provided, single submitter. Criteria: Invitae Variant Classification Sherloc (09022015). Collection method: clinical testing. Allele origin: germline.
Comment: In summary, the available evidence is currently insufficient to determine the role of this variant in disease. Therefore, it has been classified as a Variant of Uncertain Significance. Advanced modeling of protein sequence and biophysical properties (such as structural, functional, and spatial information, amino acid conservation, physicochemical variation, residue mobility, and thermodynamic stability) has been performed at Invitae for this missense variant, however the output from this modeling did not meet the statistical confidence thresholds required to predict the impact of this variant on COL2A1 protein function. This variant has not been reported in the literature in individuals affected with COL2A1-related conditions. This variant is present in population databases (rs757538350, gnomAD 0.003%). This sequence change replaces aspartic acid, which is acidic and polar, with tyrosine, which is neutral and polar, at codon 1150 of the COL2A1 protein (p.Asp1150Tyr).